The following is an entry in ClinVar:

ClinVar aggregate classification (germline): Uncertain significance (1 of 4 stars; one submission).

Conditions:
Melnick-Fraser syndrome (BOR). Also called: Branchiootorenal Syndrome (BORS); Branchio-oto-renal syndrome; Branchiootorenal syndrome. Identifiers: Orphanet 107, MedGen C0265234, MONDO:0007029.

Allele frequency attached by ClinVar (database versions not stated): gnomAD exomes below 0.00001; ExAC 0.00001.
gnomAD v4.1: 5 of 1,613,914 alleles (0.00031%); highest among the groups gnomAD compares: African/African-American, 0.0027%; no homozygotes.

Submission:

Labcorp Genetics (formerly Invitae), Labcorp
Classification: Uncertain significance for Melnick-Fraser syndrome. Last evaluated: 2021-12-15. Review status: criteria provided, single submitter. Criteria: Invitae Variant Classification Sherloc (09022015). Collection method: clinical testing. Allele origin: germline.
Comment: In summary, the available evidence is currently insufficient to determine the role of this variant in disease. Therefore, it has been classified as a Variant of Uncertain Significance. This sequence change replaces serine, which is neutral and polar, with cysteine, which is neutral and slightly polar, at codon 83 of the EYA1 protein (p.Ser83Cys). This variant is present in population databases (rs748482012, gnomAD 0.008%). This variant has not been reported in the literature in individuals affected with EYA1-related conditions. Algorithms developed to predict the effect of missense changes on protein structure and function are either unavailable or do not agree on the potential impact of this missense change (SIFT: "Deleterious"; PolyPhen-2: "Probably Damaging"; Align-GVGD: "Class C0").

NM_000503.6(EYA1):c.248C>G (p.Ser83Cys)

Gene: EYA1 (EYA transcriptional coactivator and phosphatase 1; minus strand). Cytogenetic location: 8q13.3.
Variant type: single nucleotide variant.
Coding change: c.248C>G on transcript NM_000503.6 (MANE Select); coding-DNA position 248, C replaced by G.
Protein change: p.Ser83Cys; replaces serine 83 with cysteine.
Molecular consequence: missense variant. On other transcripts: 5 prime UTR variant (1).
Genome position (GRCh38, 1-based): chr8:71,322,223, G>C on the plus strand (C>G on the coding strand, the complement: EYA1 is on the minus strand). VCF-style: chr8-71322223-G-C. GRCh37 (hg19) VCF-style: chr8-72234458-G-C.
Other names: c.248C>G, p.Ser83Cys (NM_001288574.2, NM_001370334.1, NM_001370335.1 and 1 more transcripts); c.-37C>G (NM_001288575.2); c.335C>G, p.Ser112Cys (NM_001370333.1, NM_001370336.1, NM_172059.5); short protein forms S83C, S112C.
Identifiers: ClinVar variation 1396441 (VCV001396441.6), dbSNP rs748482012, ClinGen allele CA4779844.